The following is an entry in ClinVar:

ClinVar aggregate classification (germline): Uncertain significance (1 of 4 stars; one submission).

Submission:

Women's Health and Genetics/Laboratory Corporation of America, LabCorp
Classification: Uncertain significance. Last evaluated: 2025-04-08. Review status: criteria provided, single submitter. Criteria: LabCorp Variant Classification Summary - May 2015. Collection method: clinical testing. Allele origin: germline.
Comment: Variant summary: EHMT1 c.520_531del12 (p.Ala174_Ala177del) results in an in-frame deletion that is predicted to remove four amino acids from the encoded protein. The variant was absent in 244988 control chromosomes (gnomAD). The available data on variant occurrences in the general population are insufficient to allow any conclusion about variant significance. To our knowledge, no occurrence of c.520_531del12 in individuals affected with Kleefstra Syndrome 1 and no experimental evidence demonstrating its impact on protein function have been reported. No submitters have cited clinical-significance assessments for this variant to ClinVar. Based on the evidence outlined above, the variant was classified as uncertain significance.

NM_024757.5(EHMT1):c.520_531del (p.Ala174_Ala177del)

Gene: EHMT1 (euchromatic histone lysine methyltransferase 1; plus strand). Cytogenetic location: 9q34.3.
Variant type: Deletion.
Coding change: c.520_531del on transcript NM_024757.5 (MANE Select); coding-DNA positions 520 to 531, 12 bases deleted (GCCCCACCAGCC).
Protein change: p.Ala174_Ala177del.
Genome position (GRCh38, 1-based): chr9:137,717,060-137,717,071, GCCCCACCAGCC deleted; deleting any 12 consecutive bases within chr9:137,717,054-137,717,071 gives the same sequence; the c. name uses the placement nearest the transcript's 3' end. VCF-style (leftmost placement, unchanged base first): chr9-137717053-GCCAGCCGCCCCA-G. GRCh37 (hg19) VCF-style: chr9-140611505-GCCAGCCGCCCCA-G.
Other names: c.520_531del, p.Ala174_Ala177del (NM_001145527.2, NM_001354263.2, NM_001354611.2); c.427_438del, p.Ala143_Ala146del (NM_001354259.2, NM_001354612.2); c.520_531del12 (NM_024757.5).
Identifiers: ClinVar variation 3896429 (VCV003896429.2).